The following is an entry in ClinVar:

ClinVar aggregate classification (germline): Pathogenic. Review status: criteria provided, multiple submitters, no conflicts (2 of 4 stars). 2 submissions from 2 submitters: Pathogenic (2). Last evaluated 2024-06-01.

Allele frequency attached by ClinVar (database versions not stated): ExAC 0.00001; gnomAD 0.00001.
gnomAD v4.1: 15 of 1,613,078 alleles (0.00093%); highest among the groups gnomAD compares: Non-Finnish European, 0.0012%; no homozygotes.

Submissions (2):

CeGaT Center for Human Genetics Tuebingen
Classification: Pathogenic. Last evaluated: 2024-06-01. Review status: criteria provided, single submitter. Criteria: CeGaT Center For Human Genetics Tuebingen Variant Classification Criteria Version 2. Collection method: clinical testing. Allele origin: germline. Affected: yes. Observed: 2 variant alleles.
Comment: MOCS2: PVS1, PM2, PM3

Labcorp Genetics (formerly Invitae), Labcorp
Classification: Pathogenic. Last evaluated: 2023-07-19. Review status: criteria provided, single submitter. Criteria: Invitae Variant Classification Sherloc (09022015). Collection method: clinical testing. Allele origin: germline.
Comment: This sequence change creates a premature translational stop signal (p.Ser55*) in the MOCS2B gene. It is expected to result in an absent or disrupted protein product. Loss-of-function variants in MOCS2B are known to be pathogenic (PMID: 21031595). For these reasons, this variant has been classified as Pathogenic. ClinVar contains an entry for this variant (Variation ID: 1942085). This variant has not been reported in the literature in individuals affected with MOCS2B-related conditions. This variant is present in population databases (rs771055660, gnomAD 0.003%).

Literature cited by the submitters: PubMed 21031595 (cited by Labcorp Genetics (formerly Invitae), Labcorp).

NM_004531.5(MOCS2):c.164C>G (p.Ser55Ter)

Gene: MOCS2 (molybdenum cofactor synthesis 2; minus strand). Cytogenetic location: 5q11.2.
Variant type: single nucleotide variant.
Coding change: c.164C>G on transcript NM_004531.5 (MANE Select); coding-DNA position 164, C replaced by G.
Protein change: p.Ser55Ter; replaces serine 55 with a stop codon.
Molecular consequence: nonsense. On other transcripts: 3 prime UTR variant (1).
Genome position (GRCh38, 1-based): chr5:53,102,159, G>C on the plus strand (C>G on the coding strand, the complement: MOCS2 is on the minus strand). VCF-style: chr5-53102159-G-C. GRCh37 (hg19) VCF-style: chr5-52397989-G-C.
Other names: c.*84C>G (NM_176806.4); c.164C>G, p.Ser55Ter (NM_183418.1); short protein forms S55*.
Identifiers: ClinVar variation 1942085 (VCV001942085.23), dbSNP rs771055660, ClinGen allele CA3263701.
Genomic context (GRCh38, chr5:53,102,159, plus strand): 5'-ACAAATAGGGATATTGCACCACAGAGCGGAGAAATCACCAACTGTGAGACTTCATCTACT[G>C]AAAGTTTCTCGGCAGTAAAGTTTATAACATCTTTAGATTTCTCTTCAACTTCATCCATAT-3'